The following is an entry in ClinVar:

ClinVar aggregate classification (germline): Uncertain significance (1 of 4 stars; one submission).

Conditions:
Emery-Dreifuss muscular dystrophy (EDMD). Also called: Scapuloperoneal syndrome, X-linked (formerly); Humeroperoneal neuromuscular disease, (formerly). Identifiers: Orphanet 261, MedGen C0410189, MONDO:0016830.

Allele frequency attached by ClinVar (database versions not stated): gnomAD exomes 0.00004 and 0.00006; TOPMed 0.00004; gnomAD 0.00006 and 0.00007; ExAC 0.00008; 1000 Genomes Project 30x 0.00031; 1000 Genomes Project 0.00040.
gnomAD v4.1: 77 of 1,613,998 alleles (0.0048%); highest among the groups gnomAD compares: East Asian, 0.029%; no homozygotes.

Submission:

Labcorp Genetics (formerly Invitae), Labcorp
Classification: Uncertain significance for Emery-Dreifuss muscular dystrophy. Last evaluated: 2025-03-11. Review status: criteria provided, single submitter. Criteria: Invitae Variant Classification Sherloc (09022015). Collection method: clinical testing. Allele origin: germline.
Comment: This sequence change replaces arginine, which is basic and polar, with histidine, which is basic and polar, at codon 94 of the SUN1 protein (p.Arg94His). This variant is present in population databases (rs112598200, gnomAD 0.05%). This variant has not been reported in the literature in individuals affected with SUN1-related conditions. ClinVar contains an entry for this variant (Variation ID: 643085). An algorithm developed to predict the effect of missense changes on protein structure and function outputs the following: PolyPhen-2: "Benign". The histidine amino acid residue is found in multiple mammalian species, which suggests that this missense change does not adversely affect protein function. In summary, the available evidence is currently insufficient to determine the role of this variant in disease. Therefore, it has been classified as a Variant of Uncertain Significance.

NM_001130965.3(SUN1):c.281G>A (p.Arg94His)

Gene: SUN1 (Sad1 and UNC84 domain containing 1; plus strand). Cytogenetic location: 7p22.3.
Variant type: single nucleotide variant.
Coding change: c.281G>A on transcript NM_001130965.3 (MANE Select); coding-DNA position 281, G replaced by A.
Protein change: p.Arg94His; replaces arginine 94 with histidine.
Molecular consequence: missense variant. On other transcripts: 5 prime UTR variant (4), non-coding transcript variant (3).
Genome position (GRCh38, 1-based): chr7:841,960, G>A. VCF-style: chr7-841960-G-A. GRCh37 (hg19) VCF-style: chr7-881597-G-A.
Other names: c.281G>A, p.Arg94His (NM_001171944.2, NM_001171946.2, NM_001367633.1 and 34 more transcripts); c.344G>A, p.Arg115His (NM_001171945.2); c.-177G>A (NM_001367635.1); c.131G>A, p.Arg44His (NM_001367636.1, NM_001367637.1, NM_001367644.1 and 24 more transcripts); c.-287G>A (NM_001367639.1, NM_001367708.1); c.500G>A, p.Arg167His (NM_001367651.1); c.-481G>A (NM_001367658.1); c.92G>A, p.Arg31His (NM_001367695.1); short protein forms R167H, R115H, R94H, R31H, R44H.
Identifiers: ClinVar variation 643085 (VCV000643085.9), dbSNP rs112598200, ClinGen allele CA4111462.
Genomic context (GRCh38, chr7:841,960, plus strand): 5'-TTTGCTAGAAAAGATCTATAAACTTGCTGTTTTTTTTTCTTCTTAGAACAACAAAACAGC[G>A]CAGAAGCACAAACAAATCAGCTTTTAGTATCAACCACGTGTCAAGGCAGGTCACGTCCTC-3'
Protein context (NP_001124437.1, residues 84-104): KNRAARTTKQ[Arg94His]RSTNKSAFSI